The following is an entry in ClinVar:

ClinVar aggregate classification (germline): Benign/Likely benign. Review status: criteria provided, multiple submitters, no conflicts (2 of 4 stars). 3 submissions from 3 submitters: Benign (1); Likely benign (2). Last evaluated 2025-10-20.

Conditions:
Carney-Stratakis syndrome. Also called: PARAGANGLIOMA AND GASTROINTESTINAL STROMAL TUMOR. Identifiers: Orphanet 97286, MedGen C1847319, MONDO:0011740, OMIM 606864.
Pheochromocytoma/paraganglioma syndrome 1. Also called: Paragangliomas 1; Glomus tumors familial 1; PARAGANGLIOMAS, FAMILIAL NONCHROMAFFIN, 1; PGL 1; Paragangliomas familial 1; Paraganglioma - glomus jugulare. Identifiers: Orphanet 29072, MedGen C3494181, MONDO:0008192, OMIM 168000.
Mitochondrial complex 2 deficiency, nuclear type 3. Also called: MITOCHONDRIAL COMPLEX II DEFICIENCY, NUCLEAR TYPE 3. Identifiers: MedGen C5436934, MONDO:0030937, OMIM 619167.
Cowden syndrome 3 (CWS3). Identifiers: Orphanet 201, MedGen CN166604, MONDO:0014045.
Paragangliomas with sensorineural hearing loss. Identifiers: MedGen C1868633.
Pheochromocytoma. Also called: MAX-Related Hereditary Paraganglioma-Pheochromocytoma Syndrome. Identifiers: Orphanet 29072, MedGen C0031511, MONDO:0008233, OMIM 171300, HP:0002666.

Submissions (3):

Labcorp Genetics (formerly Invitae), Labcorp
Classification: Likely benign for Carney-Stratakis syndrome; Paragangliomas with sensorineural hearing loss; Pheochromocytoma; Cowden syndrome 3. Last evaluated: 2025-10-20. Review status: criteria provided, single submitter. Criteria: Invitae Variant Classification Sherloc (09022015). Collection method: clinical testing. Allele origin: germline.

Myriad Genetics, Inc.
Classification: Benign for Pheochromocytoma/paraganglioma syndrome 1. Last evaluated: 2025-03-17. Review status: criteria provided, single submitter. Criteria: Myriad Autosomal Dominant, Autosomal Recessive and X-Linked Classification Criteria (2023). Collection method: clinical testing. Allele origin: unknown.
Comment: This variant is considered benign. This variant is a silent/synonymous amino acid change and it is not expected to impact splicing.

Department of Pathology and Laboratory Medicine, Sinai Health System
Classification: Likely benign for Pheochromocytoma/paraganglioma syndrome 1; Carney-Stratakis syndrome; Mitochondrial complex 2 deficiency, nuclear type 3. Last evaluated: 2023-07-28. Review status: criteria provided, single submitter. Criteria: ACMG Guidelines, 2015. Collection method: clinical testing. Allele origin: germline. Affected: yes.

NM_003002.4(SDHD):c.6G>A (p.Ala2=)

Genes: SDHD (succinate dehydrogenase complex subunit D; plus strand), LOC126861339 (BRD4-independent group 4 enhancer GRCh37_chr11:111957035-111958234; plus strand). Cytogenetic location: 11q23.1.
Variant type: single nucleotide variant.
Coding change: c.6G>A on transcript NM_003002.4 (MANE Select); coding-DNA position 6, G replaced by A.
Protein change: p.Ala2=; no amino-acid change (alanine 2 retained).
Molecular consequence: synonymous variant. On other transcripts: non-coding transcript variant (1).
Genome position (GRCh38, 1-based): chr11:112,086,913, G>A. VCF-style: chr11-112086913-G-A. GRCh37 (hg19) VCF-style: chr11-111957637-G-A.
Other names: c.6G>A, p.Ala2= (NM_001276503.2, NM_001276504.2, NM_001276506.2).
Identifiers: ClinVar variation 766627 (VCV000766627.14), dbSNP rs1592777160, ClinGen allele CA476789063.